The following is an entry in ClinVar:

ClinVar aggregate classification (germline): Likely benign. Review status: criteria provided, single submitter (1 of 4 stars). 2 submissions from 2 submitters: Likely benign (1). 1 of the submissions does not count toward it. Last evaluated 2025-05-05.

Conditions:
Inborn genetic diseases. Identifiers: MedGen C0950123, MeSH D030342.
DNMT3A-related disorder. Also called: DNMT3A-related condition; DNMT3A-related disorders.

Submissions (2):

Ambry Genetics
Classification: Likely benign for Inborn genetic diseases. Last evaluated: 2025-05-05. Review status: criteria provided, single submitter. Criteria: Ambry Variant Classification Scheme 2023. Collection method: clinical testing. Allele origin: germline.

PreventionGenetics, part of Exact Sciences
Classification: Likely benign for DNMT3A-related condition. Last evaluated: 2022-05-27. Review status: no assertion criteria provided. Collection method: clinical testing. Allele origin: germline. Not counted in ClinVar's aggregate classification.
Comment: This variant is classified as likely benign based on ACMG/AMP sequence variant interpretation guidelines (Richards et al. 2015 PMID: 25741868, with internal and published modifications).

NM_022552.5(DNMT3A):c.2427G>T (p.Val809=)

Gene: DNMT3A (DNA methyltransferase 3 alpha; minus strand). Cytogenetic location: 2p23.3.
Variant type: single nucleotide variant.
Coding change: c.2427G>T on transcript NM_022552.5 (MANE Select); coding-DNA position 2427, G replaced by T.
Protein change: p.Val809=; no amino-acid change (valine 809 retained).
Molecular consequence: synonymous variant. On other transcripts: non-coding transcript variant (1).
Genome position (GRCh38, 1-based): chr2:25,236,987, C>A on the plus strand (G>T on the coding strand, the complement: DNMT3A is on the minus strand). VCF-style: chr2-25236987-C-A. GRCh37 (hg19) VCF-style: chr2-25459856-C-A.
Other names: c.1971G>T, p.Val657= (NM_001320893.1); c.1758G>T, p.Val586= (NM_001375819.1); c.1860G>T, p.Val620= (NM_153759.3); c.2427G>T, p.Val809= (NM_175629.2); c.2427G>T (NM_022552.3).
Identifiers: ClinVar variation 3353531 (VCV003353531.2).